The following is an entry in ClinVar:

NM_015910.7(WDPCP):c.1748+18425A>G

Gene: WDPCP (WD repeat containing planar cell polarity effector; minus strand). Cytogenetic location: 2p15.
Variant type: single nucleotide variant.
Coding change: c.1748+18425A>G on transcript NM_015910.7 (MANE Select); 18425 bases into the intron after coding-DNA position 1748, A replaced by G.
Molecular consequence: intron variant. On other transcripts: missense variant (1).
Genome position (GRCh38, 1-based): chr2:63,359,961, T>C on the plus strand (A>G on the coding strand, the complement: WDPCP is on the minus strand). VCF-style: chr2-63359961-T-C. GRCh37 (hg19) VCF-style: chr2-63587096-T-C.
Other names: c.1864A>G, p.Thr622Ala (NM_001354045.2); c.1676+18425A>G (NM_001354044.2); c.1271+18425A>G (NM_001042692.3); short protein forms T622A.
Identifiers: ClinVar variation 4983118 (VCV004983118.1).
Genomic context (GRCh38, chr2:63,359,961, plus strand): 5'-AAATCCCATCTCTACTAAAAACAACAAAAATTAGCTGGGTGTGGTGGCACATGCCAGTGG[T>C]CCCAGCTACTCGGGAGGCTGAGGCAGAAGAATCGCTTGAACCCAGGAGATGGAGGTGGCA-3'

ClinVar aggregate classification (germline): Uncertain significance (1 of 4 stars; one submission).

Conditions:
WDPCP-related disorder. Also called: WDPCP-related condition.

Submission:

PreventionGenetics, part of Exact Sciences
Classification: Uncertain significance for WDPCP-related condition. Last evaluated: 2026-06-10. Review status: criteria provided, single submitter. Criteria: ACMG Guidelines, 2015. Collection method: clinical testing. Allele origin: germline.
Comment: The WDPCP c.1864A>G variant is predicted to result in the amino acid substitution p.Thr622Ala. To our knowledge, this variant has not been reported in the literature or in a large population database (gnomAD), indicating this variant is rare. At this time, the clinical significance of this variant is uncertain due to the absence of conclusive functional and genetic evidence.